The following is an entry in ClinVar:

ClinVar aggregate classification (germline): Likely pathogenic (1 of 4 stars; one submission).

Conditions:
Gaucher disease. Also called: Acute cerebral Gaucher disease; Cerebroside lipidosis syndrome; Gaucher splenomegaly; Sphingolipidosis 1; Glucocerebrosidosis; Glucosylceramidase deficiency. Identifiers: Orphanet 355, MedGen C0017205, MONDO:0018150.

Submission:

Women's Health and Genetics/Laboratory Corporation of America, LabCorp
Classification: Likely pathogenic for Gaucher disease. Last evaluated: 2023-04-26. Review status: criteria provided, single submitter. Criteria: LabCorp Variant Classification Summary - May 2015. Collection method: clinical testing. Allele origin: germline.
Comment: Variant summary: GBA c.1215C>A (p.Ser405Arg) results in a non-conservative amino acid change located in the Glycosyl hydrolase family 30, TIM-barrel domain (IPR033453) of the encoded protein sequence. Five of five in-silico tools predict a damaging effect of the variant on protein function. The variant was absent in 251312 control chromosomes. c.1215C>A has been reported in the literature as a compound heterozygous genotype in at-least one individual affected with Gaucher Disease (example, Malini_2014, Miano_2020, Costa_2020). These data do not allow any conclusion about variant significance. At least one publication reports experimental evidence evaluating an impact on protein function (Malini_2014). The most pronounced variant effect results in a near complete loss of GBA activity in transiently transfected cells. The following publications have been ascertained in the context of this evaluation (PMID: 31816052, 30461613, 24022302, 24904648, 32702516). No clinical diagnostic laboratories have submitted clinical-significance assessments for this variant to ClinVar after 2014. Based on the evidence outlined above, the variant was classified as likely pathogenic.

Literature cited by the submitters: PubMed 24022302; PubMed 30461613; PubMed 24904648; PubMed 31816052; PubMed 32702516.

NM_000157.4(GBA1):c.1215C>A (p.Ser405Arg)

Genes: GBA1 (glucosylceramidase beta 1; minus strand), LOC106627981 (GBA recombination region; plus strand). Cytogenetic location: 1q22.
Variant type: single nucleotide variant.
Coding change: c.1215C>A on transcript NM_000157.4 (MANE Select); coding-DNA position 1215, C replaced by A.
Protein change: p.Ser405Arg; replaces serine 405 with arginine.
Molecular consequence: missense variant.
Genome position (GRCh38, 1-based): chr1:155,236,254, G>T on the plus strand (C>A on the coding strand, the complement: GBA1 is on the minus strand). VCF-style: chr1-155236254-G-T. GRCh37 (hg19) VCF-style: chr1-155206045-G-T.
Other names: c.1215C>A, p.Ser405Arg (NM_001005741.3, NM_001005742.3); c.954C>A, p.Ser318Arg (NM_001171811.2); c.1068C>A, p.Ser356Arg (NM_001171812.2); c.1215C>A (NM_001005741.2); short protein forms S318R, S356R, S405R.
Identifiers: ClinVar variation 2503945 (VCV002503945.1), dbSNP rs75528494, ClinGen allele CA30894739.